The following continues an entry in ClinVar:

NM_000038.6(APC):c.8107A>G (p.Lys2703Glu)

Gene: APC. ClinVar aggregate classification (germline): Conflicting classifications of pathogenicity. Uncertain significance (9); Benign (1); Likely benign (3).

Submissions 12 to 15 of 15:

Baylor Genetics
Classification: Uncertain significance for Familial adenomatous polyposis 1. Last evaluated: 2021-05-25. Review status: criteria provided, single submitter. Criteria: ACMG Guidelines, 2015. Collection method: clinical testing. Allele origin: paternal. Affected: yes. Study: CSER-TexasKidsCanSeq.
Comment: This variant was determined to be of uncertain significance according to ACMG Guidelines, 2015 [PMID:25741868].

Illumina Laboratory Services, Illumina
Classification: Uncertain significance for APC-Associated Polyposis Disorders. Last evaluated: 2018-01-12. Review status: criteria provided, single submitter. Criteria: ICSL Variant Classification Criteria 13 December 2019. Collection method: clinical testing. Allele origin: germline.

PreventionGenetics, part of Exact Sciences
Classification: Uncertain significance for APC-related condition. Last evaluated: 2024-03-13. Review status: no assertion criteria provided. Collection method: clinical testing. Allele origin: germline. Not counted in ClinVar's aggregate classification.
Comment: The APC c.8107A>G variant is predicted to result in the amino acid substitution p.Lys2703Glu. To our knowledge, this variant has not been reported in the literature. This variant is reported in 0.0054% of alleles in individuals of European (Non-Finnish) descent in gnomAD. This variant is interpreted as a variant of uncertain significance or likely benign in ClinVar. Although we suspect that this variant may be benign, at this time, the clinical significance of this variant is uncertain due to the absence of conclusive functional and genetic evidence.

Department of Pathology and Laboratory Medicine, Sinai Health System
Classification: Likely benign for Familial adenomatous polyposis 1. Review status: no assertion criteria provided. Collection method: clinical testing. Allele origin: unknown. Affected: yes. Observed: 1 variant allele. Study: The Canadian Open Genetics Repository (COGR). Not counted in ClinVar's aggregate classification.
Comment: The APC p.Lys2703Glu variant was identified in 1 of 2080 proband chromosomes (frequency: 0.0005) from individuals or families with advanced cancer (unspecified) (Mandelker 2017). The variant was not identified in the LOVD 3.0 database. The variant was identified in dbSNP (ID: rs730881270) â€šÃ„ÃºWith Uncertain significance alleleâ€šÃ„Ã¹, ClinVar (classified as uncertain significance by GeneDx, Illumina, Invitae, Ambry Genetics and Color). The variant was identified in control databases in 7 of 277114 chromosomes at a frequency of 0.00003 (Genome Aggregation Database Feb 27, 2017), observed in the following population: European Non-Finnish in 7 of 126624 chromosomes (freq: 0.00006), while not observed in the African, Other, Latino, Ashkenazi Jewish, East Asian, European Finnish, and South Asian populations. The p.Lys2703 residue is conserved in mammals and computational analyses (PolyPhen-2, SIFT, AlignGVGD, BLOSUM, MutationTaster) provide inconsistent predictions regarding the impact of the variant Glu to the protein; this information is not very predictive of pathogenicity. The variant occurs outside of the splicing consensus sequence and 1 of 4 in silico or computational prediction software programs (SpliceSiteFinder, MaxEntScan, NNSPLICE, GeneSplicer) predict a greater than 10% difference in splicing; this is not very predictive of pathogenicity. In summary, based on the above information the clinical significance of this variant cannot be determined with certainty at this time although we would lean towards a more benign role for this variant. This variant is classified as likely benign.

Literature cited by the submitters: PubMed 28873162 (cited by 4 submitters); PubMed 29684080 (cited by 4 submitters); PubMed 33009979 (cited by Women's Health and Genetics/Laboratory Corporation of America, LabCorp); PubMed 28840378 (cited by 4 submitters); PubMed 29683816 (cited by Women's Health and Genetics/Laboratory Corporation of America, LabCorp).